The following is an entry in ClinVar:

NM_003038.5(SLC1A4):c.101G>A (p.Arg34His)

Gene: SLC1A4 (solute carrier family 1 member 4; plus strand). Cytogenetic location: 2p14.
Variant type: single nucleotide variant.
Coding change: c.101G>A on transcript NM_003038.5 (MANE Select); coding-DNA position 101, G replaced by A.
Protein change: p.Arg34His; replaces arginine 34 with histidine.
Molecular consequence: missense variant. On other transcripts: intron variant (3).
Genome position (GRCh38, 1-based): chr2:64,989,744, G>A. VCF-style: chr2-64989744-G-A. GRCh37 (hg19) VCF-style: chr2-65216878-G-A.
Other names: c.-134+1124G>A (NM_001348406.2, NM_001193493.2); c.-134+1190G>A (NM_001348407.2); short protein forms R34H.
Identifiers: ClinVar variation 1418973 (VCV001418973.8), dbSNP rs1256474269, ClinGen allele CA347078081.

ClinVar aggregate classification (germline): Uncertain significance (1 of 4 stars; one submission).

Allele frequency attached by ClinVar (database versions not stated): gnomAD exomes below 0.00001.

Submission:

Labcorp Genetics (formerly Invitae), Labcorp
Classification: Uncertain significance. Last evaluated: 2021-02-10. Review status: criteria provided, single submitter. Criteria: Invitae Variant Classification Sherloc (09022015). Collection method: clinical testing. Allele origin: germline.
Comment: The frequency data for this variant in the population databases is considered unreliable, as metrics indicate insufficient coverage at this position in the ExAC database. This variant has not been reported in the literature in individuals with SLC1A4-related conditions. Algorithms developed to predict the effect of missense changes on protein structure and function (SIFT, PolyPhen-2, Align-GVGD) all suggest that this variant is likely to be tolerated, but these predictions have not been confirmed by published functional studies and their clinical significance is uncertain. In summary, the available evidence is currently insufficient to determine the role of this variant in disease. Therefore, it has been classified as a Variant of Uncertain Significance. This sequence change replaces arginine with histidine at codon 34 of the SLC1A4 protein (p.Arg34His). The arginine residue is moderately conserved and there is a small physicochemical difference between arginine and histidine.